The following is an entry in ClinVar:

NM_000535.7(PMS2):c.1569C>T (p.Ser523=)

Gene: PMS2 (PMS1 homolog 2, mismatch repair system component; minus strand). Cytogenetic location: 7p22.1.
Variant type: single nucleotide variant.
Coding change: c.1569C>T on transcript NM_000535.7 (MANE Select); coding-DNA position 1569, C replaced by T.
Protein change: p.Ser523=; no amino-acid change (serine 523 retained).
Molecular consequence: synonymous variant. On other transcripts: non-coding transcript variant (1).
Genome position (GRCh38, 1-based): chr7:5,987,196, G>A on the plus strand (C>T on the coding strand, the complement: PMS2 is on the minus strand). VCF-style: chr7-5987196-G-A. GRCh37 (hg19) VCF-style: chr7-6026827-G-A.
Other names: c.1164C>T, p.Ser388= (NM_001322003.2, NM_001322004.2, NM_001322005.2 and 1 more transcripts); c.1413C>T, p.Ser471= (NM_001322006.2); c.1251C>T, p.Ser417= (NM_001322007.2, NM_001322008.2); c.1008C>T, p.Ser336= (NM_001322010.2); c.636C>T, p.Ser212= (NM_001322011.2, NM_001322012.2); c.996C>T, p.Ser332= (NM_001322013.2); c.1569C>T, p.Ser523= (NM_001322014.2); c.1260C>T, p.Ser420= (NM_001322015.2).
Identifiers: ClinVar variation 237889 (VCV000237889.20), dbSNP rs141458772, ClinGen allele CA044453.

ClinVar aggregate classification (germline): Benign/Likely benign. Review status: criteria provided, multiple submitters, no conflicts (2 of 4 stars). 9 submissions from 9 submitters: Benign (1); Likely benign (8). Last evaluated 2025-07-31.

Conditions:
Hereditary nonpolyposis colorectal neoplasms. Identifiers: MedGen C0009405, MeSH D003123.
Hereditary cancer-predisposing syndrome. Also called: Neoplastic Syndromes, Hereditary; Hereditary neoplastic syndrome; Tumor predisposition; Hereditary Cancer Syndrome. Identifiers: Orphanet 140162, MedGen C0027672, MeSH D009386, MONDO:0015356.
Lynch syndrome. Identifiers: Orphanet 144, MedGen C4552100, MONDO:0005835. Disease mechanism: loss of function.
Lynch syndrome 4 (LYNCH4). Also called: Hereditary non-polyposis colorectal cancer, type 4; Colorectal cancer, hereditary nonpolyposis, type 4. Identifiers: Orphanet 144, MedGen C1838333, MONDO:0013699, OMIM 614337. Disease mechanism: loss of function.

Allele frequency attached by ClinVar (database versions not stated): 1000 Genomes Project 30x 0.00016.

Submissions (9):

Labcorp Genetics (formerly Invitae), Labcorp
Classification: Likely benign for Hereditary nonpolyposis colorectal neoplasms. Last evaluated: 2025-07-31. Review status: criteria provided, single submitter. Criteria: Invitae Variant Classification Sherloc (09022015). Collection method: clinical testing. Allele origin: germline.

Myriad Genetics, Inc.
Classification: Benign for Lynch syndrome 4. Last evaluated: 2025-01-30. Review status: criteria provided, single submitter. Criteria: Myriad Autosomal Dominant, Autosomal Recessive and X-Linked Classification Criteria (2023). Collection method: clinical testing. Allele origin: unknown.
Comment: This variant is considered benign. This variant is a silent/synonymous amino acid change and it is not expected to impact splicing.

All of Us Research Program, National Institutes of Health
Classification: Likely benign for Lynch syndrome. Last evaluated: 2023-10-30. Review status: criteria provided, single submitter. Criteria: ACMG Guidelines, 2015. Collection method: clinical testing. Allele origin: germline. Inheritance: Autosomal dominant inheritance. Observed: 2 variant alleles, 2 heterozygotes.
Comment: This study involves interpretation of variants in research participants for the purpose of population health screening. Participant phenotype was not available at the time of variant classification. Additional details can be found in publication PMID: 35346344, PMCID: PMC8962531

Women's Health and Genetics/Laboratory Corporation of America, LabCorp
Classification: Likely benign. Last evaluated: 2023-02-09. Review status: criteria provided, single submitter. Criteria: LabCorp Variant Classification Summary - May 2015. Collection method: clinical testing. Allele origin: germline.

Quest Diagnostics Nichols Institute San Juan Capistrano
Classification: Likely benign. Last evaluated: 2023-02-07. Review status: criteria provided, single submitter. Criteria: Quest Diagnostics criteria. Collection method: clinical testing. Allele origin: unknown.

Sema4
Classification: Likely benign for Hereditary cancer-predisposing syndrome. Last evaluated: 2022-02-19. Review status: criteria provided, single submitter. Criteria: Sema4 Curation Guidelines. Collection method: curation. Allele origin: germline.

Ambry Genetics
Classification: Likely benign for Hereditary cancer-predisposing syndrome. Last evaluated: 2020-03-06. Review status: criteria provided, single submitter. Criteria: Ambry Variant Classification Scheme 2023. Collection method: clinical testing. Allele origin: germline.

Color Diagnostics, LLC DBA Color Health
Classification: Likely benign for Hereditary cancer-predisposing syndrome. Last evaluated: 2017-07-25. Review status: criteria provided, single submitter. Criteria: ACMG Guidelines, 2015. Collection method: clinical testing. Allele origin: germline.

GeneDx
Classification: Likely benign. Last evaluated: 2016-10-31. Review status: criteria provided, single submitter. Criteria: GeneDx Variant Classification (06012015). Collection method: clinical testing. Allele origin: germline. Affected: yes.
Comment: This variant is considered likely benign or benign based on one or more of the following criteria: it is a conservative change, it occurs at a poorly conserved position in the protein, it is predicted to be benign by multiple in silico algorithms, and/or has population frequency not consistent with disease.